The following is an entry in ClinVar:

NM_004415.4(DSP):c.7355del (p.Gln2452fs)

Gene: DSP (desmoplakin; plus strand). Cytogenetic location: 6p24.3.
Variant type: Deletion.
Coding change: c.7355del on transcript NM_004415.4 (MANE Select); coding-DNA position 7355, one base deleted (A; older notation c.7355delA).
Protein change: p.Gln2452fs; shifts the reading frame from glutamine 2452.
Molecular consequence: frameshift variant.
Genome position (GRCh38, 1-based): chr6:7,584,617, A deleted. VCF-style (leftmost placement, unchanged base first): chr6-7584616-CA-C. GRCh37 (hg19) VCF-style: chr6-7584849-CA-C.
Other names: c.5558del, p.Gln1853fs (NM_001008844.3); c.6026del, p.Gln2009fs (NM_001319034.2); short protein forms Q1853fs, Q2009fs, Q2452fs.
Identifiers: ClinVar variation 817454 (VCV000817454.1), dbSNP rs1581823904, ClinGen allele CA915944152.
Genomic context (GRCh38, chr6:7,584,616, plus strand): 5'-AGATGCATTAAGGATGAGGAAACAGGGCTCTGTCTTCTGCCTCTGAAAGAAAAGAAGAAA[CA>C]GGTGCAGACATCACAAAAGAATACCCTCAGGAAGCGTAGAGTGGTCATAGTTGACCCAGA-3'

ClinVar aggregate classification (germline): Likely pathogenic (1 of 4 stars; one submission).

Submission:

GeneDx
Classification: Likely pathogenic. Last evaluated: 2019-03-05. Review status: criteria provided, single submitter. Criteria: GeneDx Variant Classification (06012015). Collection method: clinical testing. Allele origin: germline. Affected: yes.
Comment: The c.7355delA variant in the DSP gene has not been reported previously as a pathogenic variant nor as a benign variant, to our knowledge. The c.7355delA variant causes a frameshift starting with codon Glutamine 2452, changes this amino acid to a Arginine residue, and creates a premature Stop codon at position 17 of the new reading frame, denoted p.Gln2452ArgfsX17. This variant is predicted to cause loss of normal protein function through protein truncation. The c.7355delA variant is not observed in large population cohorts (Lek et al., 2016). We interpret c.7355delA as a likely pathogenic variant.